The following is an entry in ClinVar:

NM_033305.3(VPS13A):c.6792_6799dup (p.Glu2267fs)

Gene: VPS13A (vacuolar protein sorting 13 homolog A; plus strand). Cytogenetic location: 9q21.2.
Variant type: Duplication.
Coding change: c.6792_6799dup on transcript NM_033305.3 (MANE Select); coding-DNA positions 6792 to 6799, 8 bases duplicated (TGATAGTG; older notation c.6792_6799dupTGATAGTG).
Protein change: p.Glu2267fs; shifts the reading frame from glutamic acid 2267.
Molecular consequence: frameshift variant.
Genome position (GRCh38, 1-based): chr9:77,340,195-77,340,202, TGATAGTG duplicated. VCF-style (leftmost placement, unchanged base first): chr9-77340194-C-CTGATAGTG. GRCh37 (hg19) VCF-style: chr9-79955110-C-CTGATAGTG.
Other names: c.6675_6682dup, p.Glu2228fs (NM_001018037.2); c.6792_6799dup, p.Glu2267fs (NM_001018038.3, NM_015186.4); short protein forms E2267fs, E2228fs.
Identifiers: ClinVar variation 2709945 (VCV002709945.3), dbSNP rs2538078719, ClinGen allele CA2697557790.

ClinVar aggregate classification (germline): Pathogenic (1 of 4 stars; one submission).

Submission:

Labcorp Genetics (formerly Invitae), Labcorp
Classification: Pathogenic. Last evaluated: 2024-01-18. Review status: criteria provided, single submitter. Criteria: Invitae Variant Classification Sherloc (09022015). Collection method: clinical testing. Allele origin: germline.
Comment: This sequence change creates a premature translational stop signal (p.Glu2267Valfs*25) in the VPS13A gene. It is expected to result in an absent or disrupted protein product. Loss-of-function variants in VPS13A are known to be pathogenic (PMID: 12404112, 21598378). This variant is not present in population databases (gnomAD no frequency). This variant has not been reported in the literature in individuals affected with VPS13A-related conditions. For these reasons, this variant has been classified as Pathogenic.

Literature cited by the submitters: PubMed 12404112; PubMed 21598378.